The following is an entry in ClinVar:

NM_002382.5(MAX):c.57A>G (p.Gln19=)

Gene: MAX (MYC associated transcriptional regulator X; minus strand). Cytogenetic location: 14q23.3.
Variant type: single nucleotide variant.
Coding change: c.57A>G on transcript NM_002382.5 (MANE Select); coding-DNA position 57, A replaced by G.
Protein change: p.Gln19=; no amino-acid change (glutamine 19 retained).
Molecular consequence: synonymous variant. On other transcripts: 5 prime UTR variant (1), intron variant (3).
Genome position (GRCh38, 1-based): chr14:65,101,552, T>C on the plus strand (A>G on the coding strand, the complement: MAX is on the minus strand). VCF-style: chr14-65101552-T-C. GRCh37 (hg19) VCF-style: chr14-65568270-T-C.
Other names: c.-218A>G (NM_001320415.2); c.57A>G, p.Gln19= (NM_145113.3, NM_145114.3, NM_197957.4); c.36+752A>G (NM_001271069.2, NM_145112.3, NM_001271068.2).
Identifiers: ClinVar variation 463812 (VCV000463812.17), dbSNP rs1395966308, ClinGen allele CA486744398.

ClinVar aggregate classification (germline): Conflicting classifications of pathogenicity. Review status: criteria provided, conflicting classifications (1 of 4 stars). 4 submissions from 4 submitters: Uncertain significance (1); Likely benign (3). Last evaluated 2026-02-26.

Conditions:
MAX-related disorder. Also called: MAX-related condition.
Hereditary cancer-predisposing syndrome. Also called: Tumor predisposition; Hereditary neoplastic syndrome; Neoplastic Syndromes, Hereditary; Hereditary Cancer Syndrome. Identifiers: Orphanet 140162, MedGen C0027672, MeSH D009386, MONDO:0015356.
Hereditary pheochromocytoma and paraganglioma. Also called: Hereditary pheochromocytoma-paraganglioma; Hereditary Paraganglioma-Pheochromocytoma Syndromes; Hereditary paragangliomas and pheochromocytomas. Identifiers: Orphanet 29072, MedGen C4274332, MONDO:0017366.

Allele frequency attached by ClinVar (database versions not stated): gnomAD exomes 0.00001.
gnomAD v4.1: 6 of 1,610,570 alleles (0.00037%); highest among the groups gnomAD compares: Middle Eastern, 0.017%; no homozygotes.

Submissions (4):

PreventionGenetics, part of Exact Sciences
Classification: Likely benign for MAX-related condition. Last evaluated: 2026-02-26. Review status: criteria provided, single submitter. Criteria: ACMG Guidelines, 2015. Collection method: clinical testing. Allele origin: germline.
Comment: This variant is classified as likely benign based on ACMG/AMP sequence variant interpretation guidelines (Richards et al. 2015 PMID: 25741868, with internal and published modifications).

Labcorp Genetics (formerly Invitae), Labcorp
Classification: Likely benign for Hereditary pheochromocytoma and paraganglioma. Last evaluated: 2025-12-17. Review status: criteria provided, single submitter. Criteria: Invitae Variant Classification Sherloc (09022015). Collection method: clinical testing. Allele origin: germline.

GeneDx
Classification: Uncertain significance. Last evaluated: 2024-03-06. Review status: criteria provided, single submitter. Criteria: GeneDx Variant Classification Process June 2021. Collection method: clinical testing. Allele origin: germline. Affected: yes.
Comment: Not observed at significant frequency in large population cohorts (gnomAD); In silico analysis supports that this variant does not alter splicing; Has not been previously published as pathogenic or benign to our knowledge

Ambry Genetics
Classification: Likely benign for Hereditary cancer-predisposing syndrome. Last evaluated: 2017-05-18. Review status: criteria provided, single submitter. Criteria: Ambry Variant Classification Scheme 2023. Collection method: clinical testing. Allele origin: germline.